The following is an entry in ClinVar:

NM_019892.6(INPP5E):c.1743G>A (p.Thr581=)

Gene: INPP5E (inositol polyphosphate-5-phosphatase E; minus strand). Cytogenetic location: 9q34.3.
Variant type: single nucleotide variant.
Coding change: c.1743G>A on transcript NM_019892.6 (MANE Select); coding-DNA position 1743, G replaced by A.
Protein change: p.Thr581=; no amino-acid change (threonine 581 retained).
Molecular consequence: synonymous variant.
Genome position (GRCh38, 1-based): chr9:136,430,336, C>T on the plus strand (G>A on the coding strand, the complement: INPP5E is on the minus strand). VCF-style: chr9-136430336-C-T. GRCh37 (hg19) VCF-style: chr9-139324788-C-T.
Other names: p.Thr581=; c.1740G>A, p.Thr580= (NM_001318502.2).
Identifiers: ClinVar variation 365878 (VCV000365878.18), dbSNP rs368026621, ClinGen allele CA5336672.

ClinVar aggregate classification (germline): Conflicting classifications of pathogenicity. Review status: criteria provided, conflicting classifications (1 of 4 stars). 5 submissions from 5 submitters: Uncertain significance (1); Benign (1); Likely benign (3). Last evaluated 2026-01-28.

Conditions:
Joubert syndrome. Also called: JOUBERT-BOLTSHAUSER SYNDROME; Familial aplasia of the vermis. Identifiers: Orphanet 475, MedGen C5979921, MONDO:0018772.
Joubert syndrome 1 (JBTS1). Also called: CEREBELLOPARENCHYMAL DISORDER IV; Cerebellooculorenal syndrome 1. Identifiers: MedGen C4551568, MONDO:0008944, OMIM 213300.

Allele frequency attached by ClinVar (database versions not stated): ESP Exome Variant Server 0.00008; TOPMed 0.00014; 1000 Genomes Project 30x 0.00062; 1000 Genomes Project 0.00080.
gnomAD v4.1: 340 of 1,553,096 alleles (0.022%); highest among the groups gnomAD compares: South Asian, 0.21%; 1 homozygote.

Submissions (5):

Labcorp Genetics (formerly Invitae), Labcorp
Classification: Benign for Joubert syndrome. Last evaluated: 2026-01-28. Review status: criteria provided, single submitter. Criteria: Invitae Variant Classification Sherloc (09022015). Collection method: clinical testing. Allele origin: germline.

Mayo Clinic Laboratories, Mayo Clinic
Classification: Likely benign. Last evaluated: 2025-06-19. Review status: criteria provided, single submitter. Criteria: ACMG Guidelines, 2015. Collection method: clinical testing. Allele origin: germline. Observed: 1 variant allele.
Comment: BP4, BP7

Blueprint Genetics
Classification: Likely benign. Last evaluated: 2024-09-24. Review status: criteria provided, single submitter. Criteria: ACMG Guidelines, 2015. Collection method: clinical testing. Allele origin: germline.

Illumina Laboratory Services, Illumina
Classification: Uncertain significance for Joubert syndrome 1. Last evaluated: 2018-01-13. Review status: criteria provided, single submitter. Criteria: ICSL Variant Classification Criteria 13 December 2019. Collection method: clinical testing. Allele origin: germline.

GeneDx
Classification: Likely benign. Last evaluated: 2016-10-07. Review status: criteria provided, single submitter. Criteria: GeneDx Variant Classification (06012015). Collection method: clinical testing. Allele origin: germline. Affected: yes.
Comment: This variant is considered likely benign or benign based on one or more of the following criteria: it is a conservative change, it occurs at a poorly conserved position in the protein, it is predicted to be benign by multiple in silico algorithms, and/or has population frequency not consistent with disease.